The following is an entry in ClinVar:

NM_138370.3(PKDCC):c.137G>A (p.Gly46Asp)

Genes: PKDCC (protein kinase domain containing, cytoplasmic; plus strand), LOC129933564 (ATAC-STARR-seq lymphoblastoid silent region 11397; plus strand). Cytogenetic location: 2p21.
Variant type: single nucleotide variant.
Coding change: c.137G>A on transcript NM_138370.3 (MANE Select); coding-DNA position 137, G replaced by A.
Protein change: p.Gly46Asp; replaces glycine 46 with aspartic acid.
Molecular consequence: missense variant.
Genome position (GRCh38, 1-based): chr2:42,048,336, G>A. VCF-style: chr2-42048336-G-A. GRCh37 (hg19) VCF-style: chr2-42275476-G-A.
Other names: c.137G>A (NM_138370.2); short protein forms G46D.
Identifiers: ClinVar variation 1484544 (VCV001484544.8), dbSNP rs780735438, ClinGen allele CA1627892.

ClinVar aggregate classification (germline): Uncertain significance. Review status: criteria provided, multiple submitters, no conflicts (2 of 4 stars). 2 submissions from 2 submitters: Uncertain significance (2). Last evaluated 2025-08-11.

Conditions:
Inborn genetic diseases. Identifiers: MedGen C0950123, MeSH D030342.

Allele frequency attached by ClinVar (database versions not stated): gnomAD exomes 0.00005; gnomAD 0.00012 and 0.00013; TOPMed 0.00015.

Submissions (2):

Ambry Genetics
Classification: Uncertain significance for Inborn genetic diseases. Last evaluated: 2025-08-11. Review status: criteria provided, single submitter. Criteria: Ambry Variant Classification Scheme 2023. Collection method: clinical testing. Allele origin: germline.

Labcorp Genetics (formerly Invitae), Labcorp
Classification: Uncertain significance. Last evaluated: 2022-07-12. Review status: criteria provided, single submitter. Criteria: Invitae Variant Classification Sherloc (09022015). Collection method: clinical testing. Allele origin: germline.
Comment: This sequence change replaces glycine, which is neutral and non-polar, with aspartic acid, which is acidic and polar, at codon 46 of the PKDCC protein (p.Gly46Asp). This variant is present in population databases (rs780735438, gnomAD 0.3%). This variant has not been reported in the literature in individuals affected with PKDCC-related conditions. ClinVar contains an entry for this variant (Variation ID: 1484544). Algorithms developed to predict the effect of missense changes on protein structure and function are either unavailable or do not agree on the potential impact of this missense change (SIFT: "Deleterious"; PolyPhen-2: "Benign"; Align-GVGD: "Class C0"). In summary, the available evidence is currently insufficient to determine the role of this variant in disease. Therefore, it has been classified as a Variant of Uncertain Significance.